The following is an entry in ClinVar:

ClinVar aggregate classification (germline): Uncertain significance (1 of 4 stars; one submission).

Conditions:
Brugada syndrome. Also called: Sudden unexpected nocturnal death syndrome; Sudden Unexplained Death Syndrome; Sudden Unexplained Nocturnal Death Syndrome (SUNDS); Sudden unexplained nocturnal death syndrome. Identifiers: Orphanet 130, MedGen C1142166, MONDO:0015263.

Allele frequency attached by ClinVar (database versions not stated): gnomAD exomes below 0.00001; TOPMed below 0.00001; gnomAD 0.00001.
gnomAD v4.1: 6 of 1,613,642 alleles (0.00037%); highest among the groups gnomAD compares: Non-Finnish European, 0.00042%; no homozygotes.

Submission:

Labcorp Genetics (formerly Invitae), Labcorp
Classification: Uncertain significance for Brugada syndrome. Last evaluated: 2022-03-14. Review status: criteria provided, single submitter. Criteria: Invitae Variant Classification Sherloc (09022015). Collection method: clinical testing. Allele origin: germline.
Comment: In summary, the available evidence is currently insufficient to determine the role of this variant in disease. Therefore, it has been classified as a Variant of Uncertain Significance. This sequence change replaces glutamic acid, which is acidic and polar, with glycine, which is neutral and non-polar, at codon 752 of the SLMAP protein (p.Glu752Gly). This variant is not present in population databases (gnomAD no frequency). This variant has not been reported in the literature in individuals affected with SLMAP-related conditions. Algorithms developed to predict the effect of missense changes on protein structure and function are either unavailable or do not agree on the potential impact of this missense change (SIFT: "Deleterious"; PolyPhen-2: "Possibly Damaging"; Align-GVGD: "Class C0").

NM_001377540.1(SLMAP):c.2357A>G (p.Glu786Gly)

Gene: SLMAP (sarcolemma associated protein; plus strand). Cytogenetic location: 3p14.3.
Variant type: single nucleotide variant.
Coding change: c.2357A>G on transcript NM_001377540.1 (MANE Select); coding-DNA position 2357, A replaced by G.
Protein change: p.Glu786Gly; replaces glutamic acid 786 with glycine.
Molecular consequence: missense variant. On other transcripts: non-coding transcript variant (1).
Genome position (GRCh38, 1-based): chr3:57,922,935, A>G. VCF-style: chr3-57922935-A-G. GRCh37 (hg19) VCF-style: chr3-57908662-A-G.
Other names: c.2306A>G, p.Glu769Gly (NM_001304420.3, NM_001377541.1, NM_001377542.1); c.2192A>G, p.Glu731Gly (NM_001304421.2, NM_001377557.1, NM_001377559.1); c.908A>G, p.Glu303Gly (NM_001304422.3, NM_001311178.2); c.710A>G, p.Glu237Gly (NM_001304423.3); c.2378A>G, p.Glu793Gly (NM_001377538.1); c.2357A>G, p.Glu786Gly (NM_001377539.1); c.2294A>G, p.Glu765Gly (NM_001377545.1); c.2255A>G, p.Glu752Gly (NM_001377549.1, NM_007159.5); and 8 more; short protein forms E237G, E690G, E752G, E303G, E707G, E724G, E731G, E745G.
Identifiers: ClinVar variation 1906888 (VCV001906888.5), dbSNP rs752120657, ClinGen allele CA75414052.
Genomic context (GRCh38, chr3:57,922,935, plus strand): 5'-TTCTTTGCCTTTAGTATGAAAAGACACAGACTGTACTCTCAGAACTGAAGTTGAAGTTTG[A>G]AATGACTGAGCAGGAAAAGCAGTCAATCACAGATGAGCTCAAACAGTGTAAAAACAACCT-3'
Protein context (NP_001364469.1, residues 776-796): TVLSELKLKF[Glu786Gly]MTEQEKQSIT